The following is an entry in ClinVar:

NM_000069.3(CACNA1S):c.4363del (p.Pro1454_Leu1455insTer)

Gene: CACNA1S (calcium voltage-gated channel subunit alpha1 S; minus strand). Cytogenetic location: 1q32.1.
Variant type: Deletion.
Coding change: c.4363del on transcript NM_000069.3 (MANE Select); coding-DNA position 4363, one base deleted (C; older notation c.4363delC).
Protein change: p.Pro1454_Leu1455insTer.
Molecular consequence: nonsense.
Genome position (GRCh38, 1-based): chr1:201,048,660, G deleted on the plus strand (C on the coding strand, the reverse complement: CACNA1S is on the minus strand); the first of 4 consecutive G bases (chr1:201,048,660-201,048,663); deleting any one gives the same sequence. VCF-style (leftmost placement, unchanged base first): chr1-201048659-AG-A. GRCh37 (hg19) VCF-style: chr1-201017787-AG-A.
Identifiers: ClinVar variation 3759780 (VCV003759780.2).

ClinVar aggregate classification (germline): Pathogenic (1 of 4 stars; one submission).

Conditions:
Hypokalemic periodic paralysis, type 1. Also called: Hypokalemic Periodic Paralysis Type 1 (AD); HypoPP. Identifiers: Orphanet 681, MedGen C3714580, MONDO:0042979, OMIM 170400.
Malignant hyperthermia, susceptibility to, 5 (MHS5). Also called: CACNA1S-Related Malignant Hyperthermia Susceptibility. Identifiers: Orphanet 423, MedGen C1866077, MONDO:0011163, OMIM 601887.

Submission:

Labcorp Genetics (formerly Invitae), Labcorp
Classification: Pathogenic for Hypokalemic periodic paralysis, type 1; Malignant hyperthermia, susceptibility to, 5. Last evaluated: 2024-11-13. Review status: criteria provided, single submitter. Criteria: Invitae Variant Classification Sherloc (09022015). Collection method: clinical testing. Allele origin: germline.
Comment: This sequence change creates a premature translational stop signal (p.Leu1455*) in the CACNA1S gene. It is expected to result in an absent or disrupted protein product. Loss-of-function variants in CACNA1S are known to be pathogenic (PMID: 26247046, 28012042). This variant is not present in population databases (gnomAD no frequency). This variant has not been reported in the literature in individuals affected with CACNA1S-related conditions. For these reasons, this variant has been classified as Pathogenic.

Literature cited by the submitters: PubMed 26247046; PubMed 28012042.